The following is an entry in ClinVar:

NM_001041.4(SI):c.2305G>A (p.Ala769Thr)

Gene: SI (sucrase-isomaltase; minus strand). Cytogenetic location: 3q26.1.
Variant type: single nucleotide variant.
Coding change: c.2305G>A on transcript NM_001041.4 (MANE Select); coding-DNA position 2305, G replaced by A.
Protein change: p.Ala769Thr; replaces alanine 769 with threonine.
Molecular consequence: missense variant.
Genome position (GRCh38, 1-based): chr3:165,038,021, C>T on the plus strand (G>A on the coding strand, the complement: SI is on the minus strand). VCF-style: chr3-165038021-C-T. GRCh37 (hg19) VCF-style: chr3-164755809-C-T.
Other names: short protein forms A769T.
Identifiers: ClinVar variation 3001529 (VCV003001529.3), dbSNP rs1305242361, ClinGen allele CA355048659.

ClinVar aggregate classification (germline): Uncertain significance (1 of 4 stars; one submission).

Allele frequency attached by ClinVar (database versions not stated): gnomAD exomes 0.00002.
gnomAD v4.1: 23 of 1,582,892 alleles (0.0015%); highest among the groups gnomAD compares: Non-Finnish European, 0.0019%; no homozygotes.

Submission:

Labcorp Genetics (formerly Invitae), Labcorp
Classification: Uncertain significance. Last evaluated: 2023-11-28. Review status: criteria provided, single submitter. Criteria: Invitae Variant Classification Sherloc (09022015). Collection method: clinical testing. Allele origin: germline.
Comment: This sequence change replaces alanine, which is neutral and non-polar, with threonine, which is neutral and polar, at codon 769 of the SI protein (p.Ala769Thr). This variant is not present in population databases (gnomAD no frequency). This variant has not been reported in the literature in individuals affected with SI-related conditions. Advanced modeling of protein sequence and biophysical properties (such as structural, functional, and spatial information, amino acid conservation, physicochemical variation, residue mobility, and thermodynamic stability) has been performed at Invitae for this missense variant, however the output from this modeling did not meet the statistical confidence thresholds required to predict the impact of this variant on SI protein function. In summary, the available evidence is currently insufficient to determine the role of this variant in disease. Therefore, it has been classified as a Variant of Uncertain Significance.